The following is an entry in ClinVar:

NM_002693.3(POLG):c.3155del (p.Gly1052fs)

Gene: POLG (DNA polymerase gamma, catalytic subunit; minus strand). Cytogenetic location: 15q26.1.
Variant type: Deletion.
Coding change: c.3155del on transcript NM_002693.3 (MANE Select); coding-DNA position 3155, one base deleted (G; older notation c.3155delG).
Protein change: p.Gly1052fs; shifts the reading frame from glycine 1052.
Molecular consequence: frameshift variant.
Genome position (GRCh38, 1-based): chr15:89,319,049, C deleted on the plus strand (G on the coding strand, the reverse complement: POLG is on the minus strand); the first of 6 consecutive C bases (chr15:89,319,049-89,319,054); deleting any one gives the same sequence. VCF-style (leftmost placement, unchanged base first): chr15-89319048-GC-G. GRCh37 (hg19) VCF-style: chr15-89862279-GC-G.
Other names: c.3155del, p.Gly1052fs (NM_001126131.2); short protein forms G1052fs.
Identifiers: ClinVar variation 5013845 (VCV005013845.1).

ClinVar aggregate classification (germline): Pathogenic (1 of 4 stars; one submission).

Conditions:
POLG-related disorder. Also called: POLG-Related Spectrum Disorders; POLG-related condition; POLG-Related Disorders. Identifiers: MedGen C4763519.

Submission:

Myriad Genetics, Inc.
Classification: Pathogenic for POLG-related disorder. Last evaluated: 2024-12-10. Review status: criteria provided, single submitter. Criteria: Myriad Autosomal Dominant, Autosomal Recessive and X-Linked Classification Criteria (2023). Collection method: clinical testing. Allele origin: unknown.
Comment: NM_002693.2(POLG):c.3155delG(G1052Afs*42) is expected to be pathogenic in the context of POLG-related disorders. This variant is predicted to lead to an abnormal or absent protein product due to the creation of a premature termination codon in POLG, a gene where loss-of-function variants are known to be pathogenic. Please note: this variant was assessed in the context of healthy population screening.